The following is an entry in ClinVar:

ClinVar aggregate classification (germline): Uncertain significance (1 of 4 stars; one submission).

Submission:

Labcorp Genetics (formerly Invitae), Labcorp
Classification: Uncertain significance. Last evaluated: 2025-06-22. Review status: criteria provided, single submitter. Criteria: Invitae Variant Classification Sherloc (09022015). Collection method: clinical testing. Allele origin: germline.
Comment: This sequence change replaces valine, which is neutral and non-polar, with alanine, which is neutral and non-polar, at codon 63 of the PPM1D protein (p.Val63Ala). This variant is not present in population databases (gnomAD no frequency). This variant has not been reported in the literature in individuals affected with PPM1D-related conditions. An algorithm developed to predict the effect of missense changes on protein structure and function outputs the following: PolyPhen-2: "Benign". The alanine amino acid residue is found in multiple mammalian species, which suggests that this missense change does not adversely affect protein function. In summary, the available evidence is currently insufficient to determine the role of this variant in disease. Therefore, it has been classified as a Variant of Uncertain Significance.

NM_003620.4(PPM1D):c.188T>C (p.Val63Ala)

Gene: PPM1D (protein phosphatase, Mg2+/Mn2+ dependent 1D; plus strand). Cytogenetic location: 17q23.2.
Variant type: single nucleotide variant.
Coding change: c.188T>C on transcript NM_003620.4 (MANE Select); coding-DNA position 188, T replaced by C.
Protein change: p.Val63Ala; replaces valine 63 with alanine.
Molecular consequence: missense variant.
Genome position (GRCh38, 1-based): chr17:60,600,602, T>C. VCF-style: chr17-60600602-T-C. GRCh37 (hg19) VCF-style: chr17-58677963-T-C.
Other names: short protein forms V63A.
Identifiers: ClinVar variation 4711003 (VCV004711003.1).